The following is an entry in ClinVar:

ClinVar aggregate classification (germline): Benign. Review status: criteria provided, multiple submitters, no conflicts (2 of 4 stars). 3 submissions from 3 submitters: Benign (3). Last evaluated 2026-02-04.

Allele frequency attached by ClinVar (database versions not stated): 1000 Genomes Project 0.03634; 1000 Genomes Project 30x 0.03904; TOPMed 0.06278; gnomAD 0.06726 and 0.06850; ESP Exome Variant Server 0.07010; gnomAD exomes 0.07220; ExAC 0.07614.
gnomAD v4.1: 141,155 of 1,613,190 alleles (8.8%); highest among the groups gnomAD compares: Non-Finnish European, 10%; 6,870 homozygotes.

Submissions (3):

Labcorp Genetics (formerly Invitae), Labcorp
Classification: Benign. Last evaluated: 2026-02-04. Review status: criteria provided, single submitter. Criteria: Invitae Variant Classification Sherloc (09022015). Collection method: clinical testing. Allele origin: germline.

GeneDx
Classification: Benign. Last evaluated: 2016-10-05. Review status: criteria provided, single submitter. Criteria: GeneDx Variant Classification (06012015). Collection method: clinical testing. Allele origin: germline. Affected: yes.
Comment: This variant is considered likely benign or benign based on one or more of the following criteria: it is a conservative change, it occurs at a poorly conserved position in the protein, it is predicted to be benign by multiple in silico algorithms, and/or has population frequency not consistent with disease.

Breakthrough Genomics
Classification: Benign. Review status: criteria provided, single submitter. Criteria: ACMG Guidelines, 2015. Collection method: not provided. Allele origin: germline. Inheritance: Autosomal recessive inheritance. Affected: yes.

NM_018993.4(RIN2):c.2001G>A (p.Pro667=)

Gene: RIN2 (Ras and Rab interactor 2; plus strand). Cytogenetic location: 20p11.23.
Variant type: single nucleotide variant.
Coding change: c.2001G>A on transcript NM_018993.4 (MANE Select); coding-DNA position 2001, G replaced by A.
Protein change: p.Pro667=; no amino-acid change (proline 667 retained).
Molecular consequence: synonymous variant.
Genome position (GRCh38, 1-based): chr20:19,990,244, G>A. VCF-style: chr20-19990244-G-A. GRCh37 (hg19) VCF-style: chr20-19970888-G-A.
Other names: c.2148G>A, p.Pro716= (NM_001242581.2); c.1383G>A, p.Pro461= (NM_001378238.1).
Identifiers: ClinVar variation 384714 (VCV000384714.10), dbSNP rs35151304, ClinGen allele CA9780183.